The following is an entry in ClinVar:

ClinVar aggregate classification (germline): Uncertain significance. Review status: criteria provided, multiple submitters, no conflicts (2 of 4 stars). 2 submissions from 2 submitters: Uncertain significance (2). Last evaluated 2024-09-16.

Submissions (2):

Labcorp Genetics (formerly Invitae), Labcorp
Classification: Uncertain significance. Last evaluated: 2024-09-16. Review status: criteria provided, single submitter. Criteria: Invitae Variant Classification Sherloc (09022015). Collection method: clinical testing. Allele origin: germline.
Comment: This variant, c.1153_1158del, results in the deletion of 2 amino acid(s) of the TMEM5 protein (p.Phe385_Ile386del), but otherwise preserves the integrity of the reading frame. This variant is present in population databases (rs767728184, gnomAD 0.008%). This variant has not been reported in the literature in individuals affected with TMEM5-related conditions. ClinVar contains an entry for this variant (Variation ID: 565680). Experimental studies and prediction algorithms are not available or were not evaluated, and the functional significance of this variant is currently unknown. In summary, the available evidence is currently insufficient to determine the role of this variant in disease. Therefore, it has been classified as a Variant of Uncertain Significance.

Athena Diagnostics
Classification: Uncertain significance. Last evaluated: 2017-10-18. Review status: criteria provided, single submitter. Criteria: Athena Diagnostics Criteria. Collection method: clinical testing. Allele origin: germline.

NM_014254.3(RXYLT1):c.1147TTTATC[1] (p.383FI[1])

Genes: RXYLT1-AS1 (RXYLT1 antisense RNA 1; minus strand), RXYLT1 (ribitol xylosyltransferase 1; plus strand). Cytogenetic location: 12q14.2.
Variant type: Microsatellite.
Coding change: c.1147TTTATC[1] on transcript NM_014254.3 (MANE Select); one copy of the 6-base unit TTTATC starting at c.1147; the reference has two copies in a row; one copy, 6 bases deleted.
Protein change: p.383FI[1].
Molecular consequence: inframe deletion. On other transcripts: non-coding transcript variant (1).
Genome position (GRCh38, 1-based): chr12:63,808,913-63,808,918, TTTATC deleted; deleting any 6 consecutive bases within chr12:63,808,906-63,808,918 gives the same sequence; the position shown is the placement nearest the transcript's 3' end. VCF-style (leftmost placement, unchanged base first): chr12-63808905-CCTTTAT-C. GRCh37 (hg19) VCF-style: chr12-64202685-CCTTTAT-C.
Other names: c.367TTTATC[1], p.123FI[1] (NM_001278237.2).
Identifiers: ClinVar variation 565680 (VCV000565680.10), dbSNP rs767728184, ClinGen allele CA6666255.